The following is an entry in ClinVar:

NM_001369369.1(FOXN1):c.488T>C (p.Val163Ala)

Gene: FOXN1 (forkhead box N1; plus strand). Cytogenetic location: 17q11.2.
Variant type: single nucleotide variant.
Coding change: c.488T>C on transcript NM_001369369.1 (MANE Select); coding-DNA position 488, T replaced by C.
Protein change: p.Val163Ala; replaces valine 163 with alanine.
Molecular consequence: missense variant.
Genome position (GRCh38, 1-based): chr17:28,524,867, T>C. VCF-style: chr17-28524867-T-C. GRCh37 (hg19) VCF-style: chr17-26851885-T-C.
Other names: c.488T>C, p.Val163Ala (NM_003593.3); short protein forms V163A.
Identifiers: ClinVar variation 4759573 (VCV004759573.1).

ClinVar aggregate classification (germline): Uncertain significance (1 of 4 stars; one submission).

Conditions:
T-cell immunodeficiency, congenital alopecia, and nail dystrophy. Also called: Congenital alopecia and nail dystrophy associated with severe functional T-cell immunodeficiency; Pignata Guarino syndrome. Identifiers: Orphanet 169095, MedGen C1866426, MONDO:0011132, OMIM 601705.

gnomAD v4.1: 16 of 1,613,692 alleles (0.00099%); highest among the groups gnomAD compares: Non-Finnish European, 0.0014%; no homozygotes.

Submission:

Labcorp Genetics (formerly Invitae), Labcorp
Classification: Uncertain significance for T-cell immunodeficiency, congenital alopecia, and nail dystrophy. Last evaluated: 2026-01-12. Review status: criteria provided, single submitter. Criteria: Invitae Variant Classification Sherloc (09022015). Collection method: clinical testing. Allele origin: germline.
Comment: This sequence change replaces valine, which is neutral and non-polar, with alanine, which is neutral and non-polar, at codon 163 of the FOXN1 protein (p.Val163Ala). This variant is present in population databases (no rsID available, gnomAD 0.0009%). This variant has not been reported in the literature in individuals affected with FOXN1-related conditions. Invitae Evidence Modeling of protein sequence and biophysical properties (such as structural, functional, and spatial information, amino acid conservation, physicochemical variation, residue mobility, and thermodynamic stability) indicates that this missense variant is not expected to disrupt FOXN1 protein function with a negative predictive value of 80%. In summary, the available evidence is currently insufficient to determine the role of this variant in disease. Therefore, it has been classified as a Variant of Uncertain Significance.